The following is an entry in ClinVar:

ClinVar aggregate classification (germline): Likely benign. Review status: criteria provided, multiple submitters, no conflicts (2 of 4 stars). 2 submissions from 2 submitters: Likely benign (2). Last evaluated 2023-03-01.

Allele frequency attached by ClinVar (database versions not stated): gnomAD exomes below 0.00001; TOPMed below 0.00001.
gnomAD v4.1: 2 of 1,614,008 alleles (0.00012%); highest among the groups gnomAD compares: African/African-American, 0.0013%; no homozygotes.

Submissions (2):

CeGaT Center for Human Genetics Tuebingen
Classification: Likely benign. Last evaluated: 2023-03-01. Review status: criteria provided, single submitter. Criteria: CeGaT Center For Human Genetics Tuebingen Variant Classification Criteria Version 2. Collection method: clinical testing. Allele origin: germline. Affected: yes. Observed: 1 variant allele.
Comment: LAMA1: BP4, BP7

Labcorp Genetics (formerly Invitae), Labcorp
Classification: Likely benign. Last evaluated: 2022-11-01. Review status: criteria provided, single submitter. Criteria: Invitae Variant Classification Sherloc (09022015). Collection method: clinical testing. Allele origin: germline.

NM_005559.4(LAMA1):c.6555G>A (p.Gly2185=)

Gene: LAMA1 (laminin subunit alpha 1; minus strand). Cytogenetic location: 18p11.31.
Variant type: single nucleotide variant.
Coding change: c.6555G>A on transcript NM_005559.4 (MANE Select); coding-DNA position 6555, G replaced by A.
Protein change: p.Gly2185=; no amino-acid change (glycine 2185 retained).
Molecular consequence: synonymous variant.
Genome position (GRCh38, 1-based): chr18:6,974,971, C>T on the plus strand (G>A on the coding strand, the complement: LAMA1 is on the minus strand). VCF-style: chr18-6974971-C-T. GRCh37 (hg19) VCF-style: chr18-6974970-C-T.
Identifiers: ClinVar variation 1966380 (VCV001966380.29), dbSNP rs1313521761, ClinGen allele CA502470014.